The following is an entry in ClinVar:

ClinVar aggregate classification (germline): Uncertain significance (1 of 4 stars; one submission).

Submission:

Labcorp Genetics (formerly Invitae), Labcorp
Classification: Uncertain significance. Last evaluated: 2025-03-03. Review status: criteria provided, single submitter. Criteria: Invitae Variant Classification Sherloc (09022015). Collection method: clinical testing. Allele origin: germline.
Comment: This sequence change replaces arginine, which is basic and polar, with leucine, which is neutral and non-polar, at codon 87 of the RPL31 protein (p.Arg87Leu). This variant is not present in population databases (gnomAD no frequency). This variant has not been reported in the literature in individuals affected with RPL31-related conditions. An algorithm developed to predict the effect of missense changes on protein structure and function (PolyPhen-2) suggests that this variant is likely to be tolerated. In summary, the available evidence is currently insufficient to determine the role of this variant in disease. Therefore, it has been classified as a Variant of Uncertain Significance.

NM_000993.5(RPL31):c.260G>T (p.Arg87Leu)

Gene: RPL31 (ribosomal protein L31; plus strand). Cytogenetic location: 2q11.2.
Variant type: single nucleotide variant.
Coding change: c.260G>T on transcript NM_000993.5 (MANE Select); coding-DNA position 260, G replaced by T.
Protein change: p.Arg87Leu; replaces arginine 87 with leucine.
Molecular consequence: missense variant.
Genome position (GRCh38, 1-based): chr2:101,005,985, G>T. VCF-style: chr2-101005985-G-T. GRCh37 (hg19) VCF-style: chr2-101622447-G-T.
Other names: c.260G>T, p.Arg87Leu (NM_001098577.3, NM_001099693.2); short protein forms R87L.
Identifiers: ClinVar variation 4762214 (VCV004762214.1).